The following is an entry in ClinVar:

NM_006073.4(TRDN):c.955G>C (p.Ala319Pro)

Gene: TRDN (triadin; minus strand). Cytogenetic location: 6q22.31.
Variant type: single nucleotide variant.
Coding change: c.955G>C on transcript NM_006073.4 (MANE Select); coding-DNA position 955, G replaced by C.
Protein change: p.Ala319Pro; replaces alanine 319 with proline.
Molecular consequence: missense variant.
Genome position (GRCh38, 1-based): chr6:123,438,980, C>G on the plus strand (G>C on the coding strand, the complement: TRDN is on the minus strand). VCF-style: chr6-123438980-C-G. GRCh37 (hg19) VCF-style: chr6-123760125-C-G.
Other names: c.955G>C, p.Ala319Pro (NM_001251987.2); c.895G>C, p.Ala299Pro (NM_001407315.1); short protein forms A299P, A319P.
Identifiers: ClinVar variation 3225254 (VCV003225254.1), dbSNP rs1329586386, ClinGen allele CA365566357.

ClinVar aggregate classification (germline): Uncertain significance (1 of 4 stars; one submission).

Conditions:
Cardiovascular phenotype. Identifiers: MedGen CN230736.

Submission:

Ambry Genetics
Classification: Uncertain significance for Cardiovascular phenotype. Last evaluated: 2023-03-08. Review status: criteria provided, single submitter. Criteria: Ambry Variant Classification Scheme 2023. Collection method: clinical testing. Allele origin: germline.
Comment: The p.A319P variant (also known as c.955G>C), located in coding exon 11 of the TRDN gene, results from a G to C substitution at nucleotide position 955. The alanine at codon 319 is replaced by proline, an amino acid with highly similar properties. This amino acid position is conserved. In addition, this alteration is predicted to be tolerated by in silico analysis. Since supporting evidence is limited at this time, the clinical significance of this alteration remains unclear.